The following is an entry in ClinVar:

NM_001039141.3(TRIOBP):c.6632A>T (p.Gln2211Leu)

Gene: TRIOBP (TRIO and F-actin binding protein; plus strand). Cytogenetic location: 22q13.1.
Variant type: single nucleotide variant.
Coding change: c.6632A>T on transcript NM_001039141.3 (MANE Select); coding-DNA position 6632, A replaced by T.
Protein change: p.Gln2211Leu; replaces glutamine 2211 with leucine.
Molecular consequence: missense variant.
Genome position (GRCh38, 1-based): chr22:37,769,084, A>T. VCF-style: chr22-37769084-A-T. GRCh37 (hg19) VCF-style: chr22-38165091-A-T.
Other names: c.1493A>T, p.Gln498Leu (NM_007032.5); short protein forms Q498L, Q2211L.
Identifiers: ClinVar variation 1034397 (VCV001034397.9), dbSNP rs200313246, ClinGen allele CA10225125.

ClinVar aggregate classification (germline): Uncertain significance. Review status: criteria provided, multiple submitters, no conflicts (2 of 4 stars). 4 submissions from 4 submitters: Uncertain significance (4). Last evaluated 2026-08-18.

Conditions:
TRIOBP-related disorder. Also called: TRIOBP-related condition.
Autosomal recessive nonsyndromic hearing loss 28. Identifiers: Orphanet 90636, MedGen C1853276, MONDO:0012355, OMIM 609823.
Inborn genetic diseases. Identifiers: MedGen C0950123, MeSH D030342.

Allele frequency attached by ClinVar (database versions not stated): gnomAD exomes 0.00010; ExAC 0.00012; ESP Exome Variant Server 0.00023; 1000 Genomes Project 30x 0.00031; 1000 Genomes Project 0.00040; gnomAD 0.00060 and 0.00067; TOPMed 0.00069.
gnomAD v4.1: 181 of 1,613,590 alleles (0.011%); highest among the groups gnomAD compares: African/African-American, 0.21%; 1 homozygote.

Submissions (4):

PreventionGenetics, part of Exact Sciences
Classification: Uncertain significance for TRIOBP-related condition. Last evaluated: 2026-08-18. Review status: criteria provided, single submitter. Criteria: ACMG Guidelines, 2015. Collection method: clinical testing. Allele origin: germline.
Comment: The TRIOBP c.6632A>T variant is predicted to result in the amino acid substitution p.Gln2211Leu. This variant was reported without a second potentially causative variant in an individual with atypical hemolytic uremic syndrome (Table S5, Bekheirnia et al. 2021. PubMed ID: 35368817). This variant is reported in 0.14% of alleles in individuals of African descent in gnomAD. Although we suspect that this variant may be benign, at this time, the clinical significance of this variant is uncertain due to the absence of conclusive functional and genetic evidence.

GeneDx
Classification: Uncertain significance. Last evaluated: 2025-04-22. Review status: criteria provided, single submitter. Criteria: GeneDx Variant Classification Process June 2021. Collection method: clinical testing. Allele origin: germline. Affected: yes.
Comment: Reported as a variant of uncertain significance in a patient with atypical hemolytic uremic syndrome in published literature (PMID: 35368817); In silico analysis supports that this missense variant has a deleterious effect on protein structure/function; This variant is associated with the following publications: (PMID: 35368817)

Ambry Genetics
Classification: Uncertain significance for Inborn genetic diseases. Last evaluated: 2021-08-30. Review status: criteria provided, single submitter. Criteria: Ambry Variant Classification Scheme 2023. Collection method: clinical testing. Allele origin: germline.

Baylor Genetics
Classification: Uncertain significance for Autosomal recessive nonsyndromic hearing loss 28. Last evaluated: 2018-10-28. Review status: criteria provided, single submitter. Criteria: ACMG Guidelines, 2015. Collection method: clinical testing. Allele origin: paternal. Affected: yes.
Comment: This variant was determined to be of uncertain significance according to ACMG Guidelines, 2015 [PMID:25741868].